The following is an entry in ClinVar:

ClinVar aggregate classification (germline): Uncertain significance (1 of 4 stars; one submission).

Submission:

Labcorp Genetics (formerly Invitae), Labcorp
Classification: Uncertain significance. Last evaluated: 2022-09-07. Review status: criteria provided, single submitter. Criteria: Invitae Variant Classification Sherloc (09022015). Collection method: clinical testing. Allele origin: germline.
Comment: Experimental studies and prediction algorithms are not available or were not evaluated, and the effect of this variant on mRNA splicing is currently unknown. This variant has not been reported in the literature in individuals affected with TBCK-related conditions. Information on the frequency of this variant in the gnomAD database is not available, as this variant may be reported differently in the database. This sequence change affects codon 265 of the TBCK mRNA. It is a 'silent' change, meaning that it does not change the encoded amino acid sequence of the TBCK protein. In summary, the available evidence is currently insufficient to determine the role of this variant in disease. Therefore, it has been classified as a Variant of Uncertain Significance.

NM_001163435.3(TBCK):c.795_796delinsCG (p.Gln266Glu)

Gene: TBCK (TBC1 domain containing kinase; minus strand). Cytogenetic location: 4q24.
Variant type: Indel.
Coding change: c.795_796delinsCG on transcript NM_001163435.3 (MANE Select); coding-DNA positions 795 to 796, TC replaced by CG.
Protein change: p.Gln266Glu; replaces glutamine 266 with glutamic acid.
Molecular consequence: missense variant.
Genome position (GRCh38, 1-based): chr4:106,247,274-106,247,275, GA replaced by CG on the plus strand (TC replaced by CG on the coding strand, the reverse complement: TBCK is on the minus strand). VCF-style: chr4-106247274-GA-CG. GRCh37 (hg19) VCF-style: chr4-107168431-GA-CG.
Other names: c.795_796delinsCG, p.Gln266Glu (NM_001163436.4); c.678_679delinsCG, p.Gln227Glu (NM_001163437.3); c.279_280delinsCG, p.Gln94Glu (NM_001290768.2); c.606_607delinsCG, p.Gln203Glu (NM_033115.5); short protein forms Q227E, Q203E, Q266E, Q94E.
Identifiers: ClinVar variation 2130318 (VCV002130318.4), dbSNP rs2478124071, ClinGen allele CA2580071350.